The following is an entry in ClinVar:

NM_001256715.2(DNAAF3):c.86-6del

Genes: DNAAF3 (dynein axonemal assembly factor 3; minus strand), DNAAF3-AS1 (DNAAF3 antisense RNA 1; plus strand). Cytogenetic location: 19q13.42.
Variant type: Deletion.
Coding change: c.86-6del on transcript NM_001256715.2 (MANE Select); 6 bases into the intron before coding-DNA position 86, one base deleted (T; older notation c.86-6delT).
Molecular consequence: intron variant. On other transcripts: frameshift variant (1).
Genome position (GRCh38, 1-based): chr19:55,166,006, A deleted on the plus strand (T on the coding strand, the reverse complement: DNAAF3 is on the minus strand); the first of 2 consecutive A bases (chr19:55,166,006-55,166,007); deleting either gives the same sequence. VCF-style (leftmost placement, unchanged base first): chr19-55166005-CA-C. GRCh37 (hg19) VCF-style: chr19-55677373-CA-C.
Other names: c.284del, p.Leu95fs (NM_001256714.1); c.227-6del (NM_178837.4); c.-153-6del (NM_001256716.2); short protein forms L95fs.
Identifiers: ClinVar variation 2127297 (VCV002127297.4), dbSNP rs2515545698, ClinGen allele CA2580097813.

ClinVar aggregate classification (germline): Pathogenic (1 of 4 stars; one submission).

Conditions:
Primary ciliary dyskinesia. Also called: Ciliary dyskinesia. Identifiers: Orphanet 244, MedGen C0008780, MONDO:0016575, HP:0012265.

Submission:

Labcorp Genetics (formerly Invitae), Labcorp
Classification: Pathogenic for Primary ciliary dyskinesia. Last evaluated: 2022-04-18. Review status: criteria provided, single submitter. Criteria: Invitae Variant Classification Sherloc (09022015). Collection method: clinical testing. Allele origin: germline.
Comment: For these reasons, this variant has been classified as Pathogenic. Algorithms developed to predict the effect of sequence changes on RNA splicing suggest that this variant may disrupt the consensus splice site. This variant has not been reported in the literature in individuals affected with DNAAF3-related conditions. This variant is not present in population databases (gnomAD no frequency). This sequence change creates a premature translational stop signal (p.Leu95Cysfs*21) in the DNAAF3 gene. It is expected to result in an absent or disrupted protein product. Loss-of-function variants in DNAAF3 are known to be pathogenic (PMID: 22387996).

Literature cited by the submitters: PubMed 22387996.